The following is an entry in ClinVar:

ClinVar aggregate classification (germline): Uncertain significance. Review status: criteria provided, multiple submitters, no conflicts (2 of 4 stars). 2 submissions from 2 submitters: Uncertain significance (2). Last evaluated 2021-12-20.

Conditions:
Cataract 18 (CATC2). Also called: CATARACT 18, AUTOSOMAL RECESSIVE. Identifiers: Orphanet 91492, Orphanet 98991, Orphanet 98992, Orphanet 98995, MedGen C1864908, MONDO:0012395, OMIM 610019.
Inborn genetic diseases. Identifiers: MedGen C0950123, MeSH D030342.

Allele frequency attached by ClinVar (database versions not stated): ExAC 0.00006; gnomAD exomes 0.00006; gnomAD 0.00007; ESP Exome Variant Server 0.00008; TOPMed 0.00008.
gnomAD v4.1: 102 of 1,613,952 alleles (0.0063%); highest among the groups gnomAD compares: Non-Finnish European, 0.0079%; 1 homozygote.

Submissions (2):

Ambry Genetics
Classification: Uncertain significance for Inborn genetic diseases. Last evaluated: 2021-12-20. Review status: criteria provided, single submitter. Criteria: Ambry Variant Classification Scheme 2023. Collection method: clinical testing. Allele origin: germline.

Labcorp Genetics (formerly Invitae), Labcorp
Classification: Uncertain significance for Cataract 18. Last evaluated: 2021-11-04. Review status: criteria provided, single submitter. Criteria: Invitae Variant Classification Sherloc (09022015). Collection method: clinical testing. Allele origin: germline.
Comment: In summary, the available evidence is currently insufficient to determine the role of this variant in disease. Therefore, it has been classified as a Variant of Uncertain Significance. Algorithms developed to predict the effect of sequence changes on RNA splicing suggest that this variant may create or strengthen a splice site. Algorithms developed to predict the effect of missense changes on protein structure and function are either unavailable or do not agree on the potential impact of this missense change (SIFT: "Deleterious"; PolyPhen-2: "Probably Damaging"; Align-GVGD: "Class C15"). This sequence change replaces phenylalanine, which is neutral and non-polar, with leucine, which is neutral and non-polar, at codon 1368 of the FYCO1 protein (p.Phe1368Leu). This variant has not been reported in the literature in individuals affected with FYCO1-related conditions. This variant is present in population databases (rs377256529, gnomAD 0.01%), including at least one homozygous and/or hemizygous individual.

NM_024513.4(FYCO1):c.4104T>G (p.Phe1368Leu)

Gene: FYCO1 (FYVE and coiled-coil domain autophagy adaptor 1; minus strand). Cytogenetic location: 3p21.31.
Variant type: single nucleotide variant.
Coding change: c.4104T>G on transcript NM_024513.4 (MANE Select); coding-DNA position 4104, T replaced by G.
Protein change: p.Phe1368Leu; replaces phenylalanine 1368 with leucine.
Molecular consequence: missense variant. On other transcripts: non-coding transcript variant (1).
Genome position (GRCh38, 1-based): chr3:45,931,218, A>C on the plus strand (T>G on the coding strand, the complement: FYCO1 is on the minus strand). VCF-style: chr3-45931218-A-C. GRCh37 (hg19) VCF-style: chr3-45972710-A-C.
Other names: c.4104T>G, p.Phe1368Leu (NM_001386421.1, NM_001386422.1, NM_001386424.1 and 3 more transcripts); c.4101T>G, p.Phe1367Leu (NM_001386423.1); c.3984T>G, p.Phe1328Leu (NM_001386426.1); c.3960T>G, p.Phe1320Leu (NM_001386427.1); c.3504T>G, p.Phe1168Leu (NM_001386430.1); c.4104T>G (NM_024513.2); short protein forms F1368L, F1168L, F1328L, F1367L, F1320L.
Identifiers: ClinVar variation 1438597 (VCV001438597.7), dbSNP rs377256529, ClinGen allele CA2352385.